The following is an entry in ClinVar:

NM_004991.4(MECOM):c.1042C>A (p.His348Asn)

Gene: MECOM (MDS1 and EVI1 complex locus; minus strand). Cytogenetic location: 3q26.2.
Variant type: single nucleotide variant.
Coding change: c.1042C>A on transcript NM_004991.4 (MANE Select); coding-DNA position 1042, C replaced by A.
Protein change: p.His348Asn; replaces histidine 348 with asparagine.
Molecular consequence: missense variant.
Genome position (GRCh38, 1-based): chr3:169,121,146, G>T on the plus strand (C>A on the coding strand, the complement: MECOM is on the minus strand). VCF-style: chr3-169121146-G-T. GRCh37 (hg19) VCF-style: chr3-168838934-G-T.
Other names: c.673C>A, p.His225Asn (NM_001105077.4); c.478C>A, p.His160Asn (NM_001105078.4, NM_001366474.2, NM_005241.4 and 5 more transcripts); c.1042C>A, p.His348Asn (NM_001366473.2, NM_001366466.2); c.481C>A, p.His161Asn (NM_001163999.2, NM_001366467.2, NM_001366468.2 and 1 more transcripts); short protein forms H160N, H161N, H225N, H348N.
Identifiers: ClinVar variation 4859739 (VCV004859739.1).

ClinVar aggregate classification (germline): Uncertain significance (1 of 4 stars; one submission).

Conditions:
Inborn genetic diseases. Identifiers: MedGen C0950123, MeSH D030342.

Submission:

Ambry Genetics
Classification: Uncertain significance for Inborn genetic diseases. Last evaluated: 2026-04-19. Review status: criteria provided, single submitter. Criteria: Ambry Variant Classification Scheme 2023. Collection method: clinical testing. Allele origin: germline.
Comment: The p.H348N variant (also known as c.1042C>A), located in coding exon 7 of the MECOM gene, results from a C to A substitution at nucleotide position 1042. The histidine at codon 348 is replaced by asparagine, an amino acid with similar properties. This amino acid position is conserved. In addition, the in silico prediction for this alteration is inconclusive. Based on the available evidence, the clinical significance of this variant remains unclear.